The following is an entry in ClinVar:

ClinVar aggregate classification (germline): Benign/Likely benign. Review status: criteria provided, multiple submitters, no conflicts (2 of 4 stars). 3 submissions from 3 submitters: Benign (1); Likely benign (1). 1 of the submissions does not count toward it. Last evaluated 2025-12-30.

Conditions:
SLC22A4-related disorder. Also called: SLC22A4-related condition.

Allele frequency attached by ClinVar (database versions not stated): gnomAD exomes 0.00030 and 0.00061; TOPMed 0.00039; gnomAD 0.00042 and 0.00043; ExAC 0.00050; ESP Exome Variant Server 0.00069.
gnomAD v4.1: 535 of 1,613,930 alleles (0.033%); highest among the groups gnomAD compares: Admixed American, 0.005%; 3 homozygotes.

Submissions (3):

Labcorp Genetics (formerly Invitae), Labcorp
Classification: Benign. Last evaluated: 2025-12-30. Review status: criteria provided, single submitter. Criteria: Invitae Variant Classification Sherloc (09022015). Collection method: clinical testing. Allele origin: germline.

Blueprint Genetics
Classification: Likely benign. Last evaluated: 2024-04-12. Review status: criteria provided, single submitter. Criteria: ACMG Guidelines, 2015. Collection method: clinical testing. Allele origin: germline.

PreventionGenetics, part of Exact Sciences
Classification: Benign for SLC22A4-related condition. Last evaluated: 2019-10-30. Review status: no assertion criteria provided. Collection method: clinical testing. Allele origin: germline. Not counted in ClinVar's aggregate classification.
Comment: This variant is classified as benign based on ACMG/AMP sequence variant interpretation guidelines (Richards et al. 2015 PMID: 25741868, with internal and published modifications).

NM_003059.3(SLC22A4):c.498-7T>C

Genes: MIR3936HG (MIR3936 host gene; minus strand), SLC22A4 (solute carrier family 22 member 4; plus strand). Cytogenetic location: 5q31.1.
Variant type: single nucleotide variant.
Coding change: c.498-7T>C on transcript NM_003059.3 (MANE Select); 7 bases into the intron before coding-DNA position 498, T replaced by C.
Molecular consequence: intron variant.
Genome position (GRCh38, 1-based): chr5:132,313,607, T>C. VCF-style: chr5-132313607-T-C. GRCh37 (hg19) VCF-style: chr5-131649300-T-C.
Other names: c.498-7T>C (NM_003059.2).
Identifiers: ClinVar variation 1615351 (VCV001615351.11), dbSNP rs11568499, ClinGen allele CA3403431.